The following is an entry in ClinVar:

NM_000540.3(RYR1):c.13208_13210del (p.Ala4403del)

Gene: RYR1 (ryanodine receptor 1; plus strand). Cytogenetic location: 19q13.2.
Variant type: Deletion.
Coding change: c.13208_13210del on transcript NM_000540.3 (MANE Select); coding-DNA positions 13208 to 13210, 3 bases deleted (CAG; older notation c.13208_13210delCAG).
Protein change: p.Ala4403del; deletes alanine 4403.
Molecular consequence: inframe deletion.
Genome position (GRCh38, 1-based): chr19:38,565,542-38,565,544, CAG deleted; deleting any 3 consecutive bases within chr19:38,565,541-38,565,544 gives the same sequence; the c. name uses the placement nearest the transcript's 3' end. VCF-style (leftmost placement, unchanged base first): chr19-38565540-CGCA-C. GRCh37 (hg19) VCF-style: chr19-39056180-CGCA-C.
Other names: c.13193_13195del, p.Ala4398del (NM_001042723.2); short protein forms A4403del, A4398del.
Identifiers: ClinVar variation 3015766 (VCV003015766.3), dbSNP rs2514680072, ClinGen allele CA2740096903.

ClinVar aggregate classification (germline): Uncertain significance (1 of 4 stars; one submission).

Conditions:
RYR1-related disorder. Also called: RYR1-related condition; RYR1-related disorders. Identifiers: MedGen CN239331.

Submission:

Labcorp Genetics (formerly Invitae), Labcorp
Classification: Uncertain significance for RYR1-related disorder. Last evaluated: 2023-06-16. Review status: criteria provided, single submitter. Criteria: Invitae Variant Classification Sherloc (09022015). Collection method: clinical testing. Allele origin: germline.
Comment: In summary, the available evidence is currently insufficient to determine the role of this variant in disease. Therefore, it has been classified as a Variant of Uncertain Significance. Experimental studies and prediction algorithms are not available or were not evaluated, and the functional significance of this variant is currently unknown. This variant has not been reported in the literature in individuals affected with RYR1-related conditions. This variant is not present in population databases (gnomAD no frequency). This variant, c.13208_13210del, results in the deletion of 1 amino acid(s) of the RYR1 protein (p.Ala4403del), but otherwise preserves the integrity of the reading frame.